The following is an entry in ClinVar:

NM_005585.5(SMAD6):c.352G>A (p.Glu118Lys)

Gene: SMAD6 (SMAD family member 6; plus strand). Cytogenetic location: 15q22.31.
Variant type: single nucleotide variant.
Coding change: c.352G>A on transcript NM_005585.5 (MANE Select); coding-DNA position 352, G replaced by A.
Protein change: p.Glu118Lys; replaces glutamic acid 118 with lysine.
Molecular consequence: missense variant. On other transcripts: non-coding transcript variant (1).
Genome position (GRCh38, 1-based): chr15:66,703,610, G>A. VCF-style: chr15-66703610-G-A. GRCh37 (hg19) VCF-style: chr15-66995948-G-A.
Other names: c.352G>A (NM_005585.4); short protein forms E118K.
Identifiers: ClinVar variation 2058456 (VCV002058456.6), dbSNP rs1324979905, ClinGen allele CA392949356.

ClinVar aggregate classification (germline): Uncertain significance. Review status: criteria provided, multiple submitters, no conflicts (2 of 4 stars). 2 submissions from 2 submitters: Uncertain significance (2). Last evaluated 2025-07-21.

Conditions:
Inborn genetic diseases. Identifiers: MedGen C0950123, MeSH D030342.
Aortic valve disease 2 (AOVD2). Identifiers: MedGen C3542024, MONDO:0013902, OMIM 614823.

Allele frequency attached by ClinVar (database versions not stated): TOPMed below 0.00001.
gnomAD v4.1: 3 of 1,230,486 alleles (0.00024%); highest among the groups gnomAD compares: Non-Finnish European, 0.0003%; no homozygotes.

Submissions (2):

Ambry Genetics
Classification: Uncertain significance for Inborn genetic diseases. Last evaluated: 2025-07-21. Review status: criteria provided, single submitter. Criteria: Ambry Variant Classification Scheme 2023. Collection method: clinical testing. Allele origin: germline.
Comment: The p.E118K variant (also known as c.352G>A), located in coding exon 1 of the SMAD6 gene, results from a G to A substitution at nucleotide position 352. The glutamic acid at codon 118 is replaced by lysine, an amino acid with similar properties. This amino acid position is conserved. In addition, this alteration is predicted to be tolerated by in silico analysis. Based on the available evidence, the clinical significance of this variant remains unclear.

Labcorp Genetics (formerly Invitae), Labcorp
Classification: Uncertain significance for Aortic valve disease 2. Last evaluated: 2023-08-02. Review status: criteria provided, single submitter. Criteria: Invitae Variant Classification Sherloc (09022015). Collection method: clinical testing. Allele origin: germline.
Comment: This sequence change replaces glutamic acid, which is acidic and polar, with lysine, which is basic and polar, at codon 118 of the SMAD6 protein (p.Glu118Lys). This variant is not present in population databases (gnomAD no frequency). This variant has not been reported in the literature in individuals affected with SMAD6-related conditions. ClinVar contains an entry for this variant (Variation ID: 2058456). An algorithm developed to predict the effect of missense changes on protein structure and function (PolyPhen-2) suggests that this variant is likely to be tolerated. In summary, the available evidence is currently insufficient to determine the role of this variant in disease. Therefore, it has been classified as a Variant of Uncertain Significance.